The following is an entry in ClinVar:

ClinVar aggregate classification (germline): Uncertain significance. Review status: criteria provided, multiple submitters, no conflicts (2 of 4 stars). 2 submissions from 2 submitters: Uncertain significance (2). Last evaluated 2026-01-13.

Conditions:
Inborn genetic diseases. Identifiers: MedGen C0950123, MeSH D030342.

Submissions (2):

Labcorp Genetics (formerly Invitae), Labcorp
Classification: Uncertain significance. Last evaluated: 2026-01-13. Review status: criteria provided, single submitter. Criteria: Invitae Variant Classification Sherloc (09022015). Collection method: clinical testing. Allele origin: germline.
Comment: This sequence change replaces glycine, which is neutral and non-polar, with cysteine, which is neutral and slightly polar, at codon 883 of the KCNH1 protein (p.Gly883Cys). This variant is not present in population databases (gnomAD no frequency). This variant has not been reported in the literature in individuals affected with KCNH1-related conditions. ClinVar contains an entry for this variant (Variation ID: 4090308). Invitae Evidence Modeling of protein sequence and biophysical properties (such as structural, functional, and spatial information, amino acid conservation, physicochemical variation, residue mobility, and thermodynamic stability) has been performed for this missense variant. However, the output from this modeling did not meet the statistical confidence thresholds required to predict the impact of this variant on KCNH1 protein function. In summary, the available evidence is currently insufficient to determine the role of this variant in disease. Therefore, it has been classified as a Variant of Uncertain Significance.

Ambry Genetics
Classification: Uncertain significance for Inborn genetic diseases. Last evaluated: 2025-08-07. Review status: criteria provided, single submitter. Criteria: Ambry Variant Classification Scheme 2023. Collection method: clinical testing. Allele origin: germline.

NM_172362.3(KCNH1):c.2647G>T (p.Gly883Cys)

Gene: KCNH1 (potassium voltage-gated channel subfamily H member 1; minus strand). Cytogenetic location: 1q32.2.
Variant type: single nucleotide variant.
Coding change: c.2647G>T on transcript NM_172362.3 (MANE Select); coding-DNA position 2647, G replaced by T.
Protein change: p.Gly883Cys; replaces glycine 883 with cysteine.
Molecular consequence: missense variant.
Genome position (GRCh38, 1-based): chr1:210,683,604, C>A on the plus strand (G>T on the coding strand, the complement: KCNH1 is on the minus strand). VCF-style: chr1-210683604-C-A. GRCh37 (hg19) VCF-style: chr1-210856946-C-A.
Other names: c.2566G>T, p.Gly856Cys (NM_002238.4); short protein forms G856C, G883C.
Identifiers: ClinVar variation 4090308 (VCV004090308.2).
Genomic context (GRCh38, chr1:210,683,604, plus strand): 5'-GATCCTGGGGACTCCTGGCCTCACCCACGTTGTCCAGGCGCAAGTCGCTCTTGGTGATGC[C>A]ACTGTCACACGAGTCTGTCTTCTTCAGTGTGGCCTCGCCTGACGCTTTTGTCCTCTCGGG-3'
Protein context (NP_758872.1, residues 873-893): TLKKTDSCDS[Gly883Cys]ITKSDLRLDN